The following is an entry in ClinVar:

ClinVar aggregate classification (germline): Pathogenic (1 of 4 stars; one submission).

Submission:

Labcorp Genetics (formerly Invitae), Labcorp
Classification: Pathogenic. Last evaluated: 2019-12-23. Review status: criteria provided, single submitter. Criteria: Invitae Variant Classification Sherloc (09022015). Collection method: clinical testing. Allele origin: germline.
Comment: This variant is a gross deletion of the genomic region encompassing exon 1 of the PHEX gene, which includes the initiator codon. The 5' end of this event is unknown as it extends beyond the assayed region for this gene and therefore may encompass additional genes. The 3' boundary is likely confined to intron 1 of the PHEX gene. This is expected to result in an absent or disrupted protein product. This variant has not been reported in the literature in individuals with PHEX-related conditions. Loss-of-function variants in PHEX are known to be pathogenic (PMID: 9097956, 9106524, 19219621). For these reasons, this variant has been classified as Pathogenic.

Literature cited by the submitters: PubMed 9097956; PubMed 9106524; PubMed 19219621.

NC_000023.11:g.(?_22033006)_(22033123_?)del

Gene: PHEX (phosphate regulating endopeptidase X-linked; plus strand). Cytogenetic location: Xp22.11.
Variant type: Deletion.
Identifiers: ClinVar variation 830652 (VCV000830652.2).